The following is an entry in ClinVar:

NM_016239.4(MYO15A):c.7313dup (p.Glu2439fs)

Gene: MYO15A (myosin XVA; plus strand). Cytogenetic location: 17p11.2.
Variant type: Duplication.
Coding change: c.7313dup on transcript NM_016239.4 (MANE Select); coding-DNA position 7313, one base duplicated (C; older notation c.7313dupC).
Protein change: p.Glu2439fs; shifts the reading frame from glutamic acid 2439.
Molecular consequence: frameshift variant.
Genome position (GRCh38, 1-based): chr17:18,150,529, C duplicated; the last of 5 consecutive C bases (chr17:18,150,525-18,150,529); duplicating any one gives the same sequence. VCF-style (leftmost placement, unchanged base first): chr17-18150524-A-AC. GRCh37 (hg19) VCF-style: chr17-18053838-A-AC.
Other names: short protein forms E2439fs.
Identifiers: ClinVar variation 2430256 (VCV002430256.1), dbSNP rs2545283716, ClinGen allele CA2580092645.
Genomic context (GRCh38, chr17:18,150,524, plus strand): 5'-GAAAGGGGGAGGCCAGCCCGGTGGAGGCAGCAGTAGTGGTACTGAAGACACCCCCAGGAG[A>AC]CCCCCAGAGCCAAAGCCAAGTCAGTGCCTCCCCAGGGTGGTTCCAGGGTTGGGCAGGGCC-3'

ClinVar aggregate classification (germline): Likely pathogenic (1 of 4 stars; one submission).

Conditions:
Autosomal recessive nonsyndromic hearing loss 3. Also called: NEUROSENSORY NONSYNDROMIC RECESSIVE DEAFNESS 3. Identifiers: Orphanet 90636, MedGen C1838263, MONDO:0010860, OMIM 600316.

Submission:

Institute of Human Genetics, University of Leipzig Medical Center
Classification: Likely pathogenic for Autosomal recessive nonsyndromic hearing loss 3. Last evaluated: 2023-01-05. Review status: criteria provided, single submitter. Criteria: ACMG Guidelines, 2015. Collection method: clinical testing. Allele origin: paternal. Affected: yes.
Comment: _x000D_This variant was identified as compound heterozygous with NM_016239.4:c.2116G>A Criteria applied: PVS1, PM2_SUP